The following is an entry in ClinVar:

NM_000260.4(MYO7A):c.2694G>C (p.Gln898His)

Gene: MYO7A (myosin VIIA; plus strand). Cytogenetic location: 11q13.5.
Variant type: single nucleotide variant.
Coding change: c.2694G>C on transcript NM_000260.4 (MANE Select); coding-DNA position 2694, G replaced by C.
Protein change: p.Gln898His; replaces glutamine 898 with histidine.
Molecular consequence: missense variant.
Genome position (GRCh38, 1-based): chr11:77,180,481, G>C. VCF-style: chr11-77180481-G-C. GRCh37 (hg19) VCF-style: chr11-76891527-G-C.
Other names: c.2694G>C, p.Gln898His (NM_001127180.2); c.2661G>C, p.Gln887His (NM_001369365.1); short protein forms Q898H, Q887H.
Identifiers: ClinVar variation 2087873 (VCV002087873.4), dbSNP rs2497187942, ClinGen allele CA381942601.
Genomic context (GRCh38, chr11:77,180,481, plus strand): 5'-GAAGCTTCGGAAGGAGATGAGCGCCAAGAAGGCCAAGGAGGAGGCCGAGCGCAAGCATCA[G>C]GTGAGCTGAGAGCCTCCAGGCACCTTAGGTGTCCACTTGCTGGCTTGTCCCCTCCCCGAG-3'
Protein context (NP_000251.3, residues 888-908): KAKEEAERKH[Gln898His]ERLAQLARED

ClinVar aggregate classification (germline): Uncertain significance (1 of 4 stars; one submission).

Allele frequency attached by ClinVar (database versions not stated): gnomAD exomes below 0.00001.
gnomAD v4.1: 1 of 1,611,640 alleles (0.000062%); highest among the groups gnomAD compares: East Asian, 0.0022%; no homozygotes.

Submission:

Labcorp Genetics (formerly Invitae), Labcorp
Classification: Uncertain significance. Last evaluated: 2025-10-01. Review status: criteria provided, single submitter. Criteria: Invitae Variant Classification Sherloc (09022015). Collection method: clinical testing. Allele origin: germline.
Comment: This sequence change replaces glutamine, which is neutral and polar, with histidine, which is basic and polar, at codon 898 of the MYO7A protein (p.Gln898His). This variant also falls at the last nucleotide of exon 22, which is part of the consensus splice site for this exon. This variant is not present in population databases (gnomAD no frequency). This variant has not been reported in the literature in individuals affected with MYO7A-related conditions. ClinVar contains an entry for this variant (Variation ID: 2087873). An algorithm developed to predict the effect of missense changes on protein structure and function (PolyPhen-2) suggests that this variant is likely to be disruptive. Variants that disrupt the consensus splice site are a relatively common cause of aberrant splicing (PMID: 17576681, 9536098). Algorithms developed to predict the effect of sequence changes on RNA splicing suggest that this variant may disrupt the consensus splice site. In summary, the available evidence is currently insufficient to determine the role of this variant in disease. Therefore, it has been classified as a Variant of Uncertain Significance.

Literature cited by the submitters: PubMed 17576681; PubMed 9536098.